The following is an entry in ClinVar:

ClinVar aggregate classification (germline): Uncertain significance (1 of 4 stars; one submission).

Conditions:
Familial hemophagocytic lymphohistiocytosis 3 (FHL3). Also called: UNC13D-Related Familial Hemophagocytic Lymphohistiocytosis (UNC13D-fHLH). Identifiers: Orphanet 540, MedGen C1837174, MONDO:0012146, OMIM 608898.

Submission:

Labcorp Genetics (formerly Invitae), Labcorp
Classification: Uncertain significance for Familial hemophagocytic lymphohistiocytosis 3. Last evaluated: 2022-10-13. Review status: criteria provided, single submitter. Criteria: Invitae Variant Classification Sherloc (09022015). Collection method: clinical testing. Allele origin: germline.
Comment: This variant has not been reported in the literature in individuals affected with UNC13D-related conditions. In summary, the available evidence is currently insufficient to determine the role of this variant in disease. Therefore, it has been classified as a Variant of Uncertain Significance. Advanced modeling of protein sequence and biophysical properties (such as structural, functional, and spatial information, amino acid conservation, physicochemical variation, residue mobility, and thermodynamic stability) performed at Invitae indicates that this missense variant is not expected to disrupt UNC13D protein function. This variant is not present in population databases (gnomAD no frequency). This sequence change replaces glutamine, which is neutral and polar, with proline, which is neutral and non-polar, at codon 688 of the UNC13D protein (p.Gln688Pro).

NM_199242.3(UNC13D):c.2063A>C (p.Gln688Pro)

Gene: UNC13D (unc-13 homolog D; minus strand). Cytogenetic location: 17q25.1.
Variant type: single nucleotide variant.
Coding change: c.2063A>C on transcript NM_199242.3 (MANE Select); coding-DNA position 2063, A replaced by C.
Protein change: p.Gln688Pro; replaces glutamine 688 with proline.
Molecular consequence: missense variant.
Genome position (GRCh38, 1-based): chr17:75,834,646, T>G on the plus strand (A>C on the coding strand, the complement: UNC13D is on the minus strand). VCF-style: chr17-75834646-T-G. GRCh37 (hg19) VCF-style: chr17-73830727-T-G.
Other names: short protein forms Q688P.
Identifiers: ClinVar variation 2135587 (VCV002135587.4), dbSNP rs777159773, ClinGen allele CA401090168.